The following continues an entry in ClinVar:

NM_000465.4(BARD1):c.159-1G>T

Gene: BARD1. ClinVar aggregate classification (germline): Pathogenic/Likely pathogenic. Pathogenic (6); Likely pathogenic (7).

Submissions 7 to 14 of 14:

GeneDx
Classification: Likely pathogenic. Last evaluated: 2024-02-20. Review status: criteria provided, single submitter. Criteria: GeneDx Variant Classification Process June 2021. Collection method: clinical testing. Allele origin: germline. Affected: yes.
Comment: Canonical splice site variant demonstrated to cause abnormal splicing producing multiple transcripts, the majority of which result in skipping of the adjacent exon(s), in a gene for which loss of function is a known mechanism of disease (PMID: 31843900); Not observed at significant frequency in large population cohorts (gnomAD); In silico analysis supports a deleterious effect on splicing; This variant is associated with the following publications: (PMID: 31036035, 33804961, 33809641, 36747619, 35988656, 18480049, 31843900)

Baylor Genetics
Classification: Likely pathogenic for Familial cancer of breast. Last evaluated: 2023-08-13. Review status: criteria provided, single submitter. Criteria: ACMG Guidelines, 2015. Collection method: clinical testing. Allele origin: unknown.

Quest Diagnostics Nichols Institute San Juan Capistrano
Classification: Pathogenic. Last evaluated: 2023-06-14. Review status: criteria provided, single submitter. Criteria: Quest Diagnostics criteria. Collection method: clinical testing. Allele origin: unknown.
Comment: The BARD1 c.159-1G>T variant disrupts a canonical splice-acceptor site and interferes with normal BARD1 mRNA splicing. This variant has been reported in the published literature in affected individuals with breast cancer (PMIDs: 31036035 (2019) and 33471991 (2021)), ovarian and prostate cancer (PMID: 31843900 (2019)), b-cell neoplasms (PMID: 33809641 (2021)), as well as in a healthy individual (PMID: 33471991 (2021)). This variant has not been reported in large, multi-ethnic general populations (Genome Aggregation Database). Based on the available information, this variant is classified as pathogenic.

Myriad Genetics, Inc.
Classification: Likely pathogenic for Familial cancer of breast. Last evaluated: 2023-05-18. Review status: criteria provided, single submitter. Criteria: Myriad Autosomal Dominant, Autosomal Recessive and X-Linked Classification Criteria (2023). Collection method: clinical testing. Allele origin: unknown.
Comment: This variant is considered likely pathogenic. This variant occurs within a consensus splice junction and is predicted to result in abnormal mRNA splicing of either an out-of-frame exon or an in-frame exon necessary for protein stability and/or normal function.

Institute of Human Genetics, University of Leipzig Medical Center
Classification: Pathogenic for Familial cancer of breast. Last evaluated: 2022-12-23. Review status: criteria provided, single submitter. Criteria: ACMG Guidelines, 2015. Collection method: clinical testing. Allele origin: unknown.
Comment: _x000D_ Criteria applied: PVS1, PS4_MOD, PM2_SUP

Institute for Clinical Genetics, University Hospital TU Dresden, University Hospital TU Dresden
Classification: Likely pathogenic. Last evaluated: 2022-05-04. Review status: criteria provided, single submitter. Criteria: ACMG Guidelines, 2015. Collection method: clinical testing. Allele origin: germline.
Comment: PVS1

Fulgent Genetics
Classification: Pathogenic for Familial cancer of breast. Last evaluated: 2021-11-24. Review status: criteria provided, single submitter. Criteria: ACMG Guidelines, 2015. Collection method: clinical testing. Allele origin: unknown.

King Laboratory, University of Washington
Classification: Pathogenic for Familial cancer of breast. Last evaluated: 2019-09-01. Review status: no assertion criteria provided. Collection method: research. Allele origin: germline. Affected: yes. Not counted in ClinVar's aggregate classification.
Comment: Transcript analysis by cBROCA

Literature cited by the submitters: PubMed 31036035 (cited by 5 submitters); PubMed 31843900 (cited by 6 submitters); PubMed 33471991 (cited by Color Diagnostics, LLC DBA Color Health and Quest Diagnostics Nichols Institute San Juan Capistrano); PubMed 16199547 (cited by Labcorp Genetics (formerly Invitae), Labcorp); PubMed 20077502 (cited by Labcorp Genetics (formerly Invitae), Labcorp); PubMed 21344236 (cited by Labcorp Genetics (formerly Invitae), Labcorp); PubMed 33809641 (cited by Quest Diagnostics Nichols Institute San Juan Capistrano).